The following is an entry in ClinVar:

NM_005006.7(NDUFS1):c.1223G>A (p.Arg408His)

Gene: NDUFS1 (NADH:ubiquinone oxidoreductase core subunit S1; minus strand). Cytogenetic location: 2q33.3.
Variant type: single nucleotide variant.
Coding change: c.1223G>A on transcript NM_005006.7 (MANE Select); coding-DNA position 1223, G replaced by A.
Protein change: p.Arg408His; replaces arginine 408 with histidine.
Molecular consequence: missense variant.
Genome position (GRCh38, 1-based): chr2:206,141,980, C>T on the plus strand (G>A on the coding strand, the complement: NDUFS1 is on the minus strand). VCF-style: chr2-206141980-C-T. GRCh37 (hg19) VCF-style: chr2-207006704-C-T.
Other names: c.1115G>A, p.Arg372His (NM_001199981.2); c.890G>A, p.Arg297His (NM_001199982.2); c.1052G>A, p.Arg351His (NM_001199983.2); c.1265G>A, p.Arg422His (NM_001199984.2); short protein forms R408H, R297H, R351H, R372H, R422H.
Identifiers: ClinVar variation 432383 (VCV000432383.4), dbSNP rs151279101, ClinGen allele CA2070521.

ClinVar aggregate classification (germline): Likely pathogenic. Review status: criteria provided, multiple submitters, no conflicts (2 of 4 stars). 2 submissions from 2 submitters: Likely pathogenic (2). Last evaluated 2019-02-20.

Conditions:
Mitochondrial complex I deficiency, nuclear type 5. Also called: Mitochondrial complex 1 deficiency, nuclear type 5. Identifiers: MedGen C4748754, MONDO:0032610, OMIM 618226.

Allele frequency attached by ClinVar (database versions not stated): gnomAD 0.00001 and 0.00002; gnomAD exomes 0.00001; ExAC 0.00004; TOPMed 0.00004; 1000 Genomes Project 30x 0.00016; 1000 Genomes Project 0.00020; ESP Exome Variant Server 0.00023.

Submissions (2):

GeneDx
Classification: Likely pathogenic. Last evaluated: 2019-02-20. Review status: criteria provided, single submitter. Criteria: GeneDx Variant Classification Process June 2021. Collection method: clinical testing. Allele origin: germline. Affected: yes.
Comment: Has not been previously published as pathogenic or benign to our knowledge; In silico analysis, which includes protein predictors and evolutionary conservation, supports a deleterious effect; Not observed at a significant frequency in large population cohorts (Lek et al., 2016); This variant is associated with the following publications: (PMID: 31589614)

UNC Molecular Genetics  Laboratory, University of North Carolina at Chapel Hill
Classification: Likely pathogenic for Mitochondrial complex 1 deficiency, nuclear type 5. Review status: criteria provided, single submitter. Criteria: ACMG Guidelines, 2015. Collection method: research. Allele origin: germline. Observed: 1 variant allele. Study: CSER_NCGENES_2.
Comment: The NDUFS1 p.A408H variant has not been previously seen in patients, but a variant in the same codon, c.1222C>T p.A408C, has been reported in the homozygous state in two brothers with complex I deficiency (PMID: 20382551) and two sisters with Leigh syndrome (PMID: 20819849).

Literature cited by the submitters: PubMed 20382551 (cited by UNC Molecular Genetics  Laboratory, University of North Carolina at Chapel Hill); PubMed 20819849 (cited by UNC Molecular Genetics  Laboratory, University of North Carolina at Chapel Hill).